The following is an entry in ClinVar:

ClinVar aggregate classification (germline): Uncertain significance (1 of 4 stars; one submission).

Submission:

GeneDx
Classification: Uncertain significance. Last evaluated: 2026-04-02. Review status: criteria provided, single submitter. Criteria: GeneDx Variant Classification Process June 2021. Collection method: clinical testing. Allele origin: germline.
Comment: Not observed at significant frequency in large population cohorts (gnomAD); In silico analysis supports that this missense variant has a deleterious effect on protein structure/function; In silico analysis supports a deleterious effect on splicing; Has not been previously published as pathogenic or benign to our knowledge.

NM_006565.4(CTCF):c.1255A>G (p.Ser419Gly)

Gene: CTCF (CCCTC-binding factor; plus strand). Cytogenetic location: 16q22.1.
Variant type: single nucleotide variant.
Coding change: c.1255A>G on transcript NM_006565.4 (MANE Select); coding-DNA position 1255, A replaced by G.
Protein change: p.Ser419Gly; replaces serine 419 with glycine.
Molecular consequence: missense variant.
Genome position (GRCh38, 1-based): chr16:67,621,489, A>G. VCF-style: chr16-67621489-A-G. GRCh37 (hg19) VCF-style: chr16-67655392-A-G.
Other names: c.271A>G, p.Ser91Gly (NM_001191022.2); c.1255A>G, p.Ser419Gly (NM_001363916.2, NM_001438968.1, NM_001438969.1); short protein forms S419G, S91G.
Identifiers: ClinVar variation 5017661 (VCV005017661.1).